The following is an entry in ClinVar:

NM_018026.4(PACS1):c.1891G>C (p.Gly631Arg)

Gene: PACS1 (phosphofurin acidic cluster sorting protein 1; plus strand). Cytogenetic location: 11q13.2.
Variant type: single nucleotide variant.
Coding change: c.1891G>C on transcript NM_018026.4 (MANE Select); coding-DNA position 1891, G replaced by C.
Protein change: p.Gly631Arg; replaces glycine 631 with arginine.
Molecular consequence: missense variant.
Genome position (GRCh38, 1-based): chr11:66,233,837, G>C. VCF-style: chr11-66233837-G-C. GRCh37 (hg19) VCF-style: chr11-66001308-G-C.
Other names: short protein forms G631R.
Identifiers: ClinVar variation 2723472 (VCV002723472.3), dbSNP rs2495588565, ClinGen allele CA381372217.

ClinVar aggregate classification (germline): Uncertain significance (1 of 4 stars; one submission).

Conditions:
Schuurs-Hoeijmakers syndrome. Also called: PACS1-Related Neurodevelopmental Disorder. Identifiers: Orphanet 329224, MedGen C3554343, MONDO:0014006, OMIM 615009.

Submission:

Labcorp Genetics (formerly Invitae), Labcorp
Classification: Uncertain significance for Schuurs-Hoeijmakers syndrome. Last evaluated: 2023-05-11. Review status: criteria provided, single submitter. Criteria: Invitae Variant Classification Sherloc (09022015). Collection method: clinical testing. Allele origin: germline.
Comment: This variant is not present in population databases (gnomAD no frequency). This variant has not been reported in the literature in individuals affected with PACS1-related conditions. Advanced modeling of protein sequence and biophysical properties (such as structural, functional, and spatial information, amino acid conservation, physicochemical variation, residue mobility, and thermodynamic stability) performed at Invitae indicates that this missense variant is not expected to disrupt PACS1 protein function. In summary, the available evidence is currently insufficient to determine the role of this variant in disease. Therefore, it has been classified as a Variant of Uncertain Significance. This sequence change replaces glycine, which is neutral and non-polar, with arginine, which is basic and polar, at codon 631 of the PACS1 protein (p.Gly631Arg).